The following is an entry in ClinVar:

NM_003995.4(NPR2):c.2047+3G>A

Gene: NPR2 (natriuretic peptide receptor 2; plus strand). Cytogenetic location: 9p13.3.
Variant type: single nucleotide variant.
Coding change: c.2047+3G>A on transcript NM_003995.4 (MANE Select); 3 bases into the intron after coding-DNA position 2047, G replaced by A.
Molecular consequence: intron variant.
Genome position (GRCh38, 1-based): chr9:35,805,673, G>A. VCF-style: chr9-35805673-G-A. GRCh37 (hg19) VCF-style: chr9-35805670-G-A.
Other names: c.2056+3G>A (NM_001378923.1).
Identifiers: ClinVar variation 4794302 (VCV004794302.1).

ClinVar aggregate classification (germline): Uncertain significance (1 of 4 stars; one submission).

Conditions:
Tall stature-scoliosis-macrodactyly of the great toes syndrome. Also called: Epiphyseal chondrodysplasia, miura type. Identifiers: Orphanet 329191, MedGen C4014690, MONDO:0014401, OMIM 615923.
Acromesomelic dysplasia 1, Maroteaux type (AMD1). Also called: ST. HELENA DYSPLASIA; ACROMESOMELIC DYSPLASIA 1. Identifiers: Orphanet 40, MedGen C1864356, MONDO:0011275, OMIM 602875.

gnomAD v4.1: 27 of 1,613,920 alleles (0.0017%); highest among the groups gnomAD compares: African/African-American, 0.031%; 1 homozygote.

Submission:

Labcorp Genetics (formerly Invitae), Labcorp
Classification: Uncertain significance for Tall stature-scoliosis-macrodactyly of the great toes syndrome; Acromesomelic dysplasia 1, Maroteaux type. Last evaluated: 2025-05-15. Review status: criteria provided, single submitter. Criteria: Invitae Variant Classification Sherloc (09022015). Collection method: clinical testing. Allele origin: germline.
Comment: This sequence change falls in intron 13 of the NPR2 gene. It does not directly change the encoded amino acid sequence of the NPR2 protein. It affects a nucleotide within the consensus splice site. This variant is present in population databases (rs200461596, gnomAD 0.05%). This variant has not been reported in the literature in individuals affected with NPR2-related conditions. Variants that disrupt the consensus splice site are a relatively common cause of aberrant splicing (PMID: 17576681, 9536098). Algorithms developed to predict the effect of sequence changes on RNA splicing suggest that this variant is not likely to affect RNA splicing. In summary, the available evidence is currently insufficient to determine the role of this variant in disease. Therefore, it has been classified as a Variant of Uncertain Significance.

Literature cited by the submitters: PubMed 17576681; PubMed 9536098.